The following is an entry in ClinVar:

NM_000466.3(PEX1):c.2057A>G (p.Gln686Arg)

Gene: PEX1 (peroxisomal biogenesis factor 1; minus strand). Cytogenetic location: 7q21.2.
Variant type: single nucleotide variant.
Coding change: c.2057A>G on transcript NM_000466.3 (MANE Select); coding-DNA position 2057, A replaced by G.
Protein change: p.Gln686Arg; replaces glutamine 686 with arginine.
Molecular consequence: missense variant. On other transcripts: intron variant (1).
Genome position (GRCh38, 1-based): chr7:92,504,746, T>C on the plus strand (A>G on the coding strand, the complement: PEX1 is on the minus strand). VCF-style: chr7-92504746-T-C. GRCh37 (hg19) VCF-style: chr7-92134060-T-C.
Other names: c.1433A>G, p.Gln478Arg (NM_001282678.2); c.1900+1502A>G (NM_001282677.2); short protein forms Q478R, Q686R.
Identifiers: ClinVar variation 909479 (VCV000909479.11), dbSNP rs201016626, ClinGen allele CA4341227.

ClinVar aggregate classification (germline): Uncertain significance. Review status: criteria provided, multiple submitters, no conflicts (2 of 4 stars). 6 submissions from 6 submitters: Uncertain significance (6). Last evaluated 2025-03-06.

Conditions:
Zellweger spectrum disorders (ZS). Also called: Zellweger Spectrum Disorder; Zellweger Spectrum; Zellweger syndrome; Zellweger Spectrum Disorder (ZSD). Identifiers: Orphanet 912, MedGen C0043459, MONDO:0019609.
Inborn genetic diseases. Identifiers: MedGen C0950123, MeSH D030342.
Peroxisome biogenesis disorder 1B (PBD1B). Also called: PEROXISOME BIOGENESIS DISORDER (NEONATAL ADRENOLEUKODYSTROPHY/INFANTILE REFSUM DISEASE); INFANTILE PHYTANIC ACID STORAGE DISEASE; PEROXISOME BIOGENESIS DISORDER (NALD/IRD); ADRENOLEUKODYSTROPHY, AUTOSOMAL NEONATAL; Infantile Refsum disease; Infantile form of phytanic acid storage disease. Identifiers: Orphanet 44, MedGen C0282527, MONDO:0011101, OMIM 601539.
Heimler syndrome 1 (HMLR1). Also called: PEROXISOME BIOGENESIS DISORDER 1C. Identifiers: Orphanet 3220, MedGen C4551980, OMIM 234580, MONDO:0024544.
Peroxisome biogenesis disorder 1A (Zellweger) (PBD1A). Also called: Zellweger leukodystrophy; Peroxisome biogenesis disorder 1a. Identifiers: MedGen C4721541, MONDO:0008953, OMIM 214100.
PEX1-related disorder. Also called: PEX1-related condition.

Allele frequency attached by ClinVar (database versions not stated): ExAC 0.00002; gnomAD exomes 0.00002 and 0.00008; TOPMed 0.00003; gnomAD 0.00005 and 0.00006.
gnomAD v4.1: 118 of 1,614,030 alleles (0.0073%); highest among the groups gnomAD compares: Non-Finnish European, 0.0098%; no homozygotes.

Submissions (6):

PreventionGenetics, part of Exact Sciences
Classification: Uncertain significance for PEX1-related condition. Last evaluated: 2025-03-06. Review status: criteria provided, single submitter. Criteria: ACMG Guidelines, 2015. Collection method: clinical testing. Allele origin: germline.
Comment: The PEX1 c.2057A>G variant is predicted to result in the amino acid substitution p.Gln686Arg. To our knowledge, this variant has not been reported in the literature. This variant is reported in 0.0054% of alleles in individuals of European (Non-Finnish) descent in gnomAD. At this time, the clinical significance of this variant is uncertain due to the absence of conclusive functional and genetic evidence.

Revvity Omics, Revvity
Classification: Uncertain significance. Last evaluated: 2024-08-30. Review status: criteria provided, single submitter. Criteria: ACMG Guidelines, 2015. Collection method: clinical testing. Allele origin: germline.

Ambry Genetics
Classification: Uncertain significance for Inborn genetic diseases. Last evaluated: 2023-04-07. Review status: criteria provided, single submitter. Criteria: Ambry Variant Classification Scheme 2023. Collection method: clinical testing. Allele origin: germline.

Labcorp Genetics (formerly Invitae), Labcorp
Classification: Uncertain significance for Zellweger spectrum disorders. Last evaluated: 2022-11-01. Review status: criteria provided, single submitter. Criteria: Invitae Variant Classification Sherloc (09022015). Collection method: clinical testing. Allele origin: germline.
Comment: This sequence change replaces glutamine, which is neutral and polar, with arginine, which is basic and polar, at codon 686 of the PEX1 protein (p.Gln686Arg). This variant is present in population databases (rs201016626, gnomAD 0.006%). This variant has not been reported in the literature in individuals affected with PEX1-related conditions. ClinVar contains an entry for this variant (Variation ID: 909479). Advanced modeling of protein sequence and biophysical properties (such as structural, functional, and spatial information, amino acid conservation, physicochemical variation, residue mobility, and thermodynamic stability) performed at Invitae indicates that this missense variant is not expected to disrupt PEX1 protein function. In summary, the available evidence is currently insufficient to determine the role of this variant in disease. Therefore, it has been classified as a Variant of Uncertain Significance.

Fulgent Genetics
Classification: Uncertain significance for Peroxisome biogenesis disorder 1A (Zellweger); Heimler syndrome 1; Peroxisome biogenesis disorder 1B. Last evaluated: 2022-03-07. Review status: criteria provided, single submitter. Criteria: ACMG Guidelines, 2015. Collection method: clinical testing. Allele origin: unknown.

Illumina Laboratory Services, Illumina
Classification: Uncertain significance for Peroxisome biogenesis disorder 1A (Zellweger). Last evaluated: 2018-01-13. Review status: criteria provided, single submitter. Criteria: ICSL Variant Classification Criteria 13 December 2019. Collection method: clinical testing. Allele origin: germline.